The following is an entry in ClinVar:

NM_001112724.2(STK32A):c.570G>C (p.Glu190Asp)

Gene: STK32A (serine/threonine kinase 32A; plus strand). Cytogenetic location: 5q32.
Variant type: single nucleotide variant.
Coding change: c.570G>C on transcript NM_001112724.2 (MANE Select); coding-DNA position 570, G replaced by C.
Protein change: p.Glu190Asp; replaces glutamic acid 190 with aspartic acid.
Molecular consequence: missense variant.
Genome position (GRCh38, 1-based): chr5:147,361,524, G>C. VCF-style: chr5-147361524-G-C. GRCh37 (hg19) VCF-style: chr5-146741087-G-C.
Other names: c.570G>C, p.Glu190Asp (NM_001287740.2); short protein forms E190D.
Identifiers: ClinVar variation 2655890 (VCV002655890.24), dbSNP rs2480696508, ClinGen allele CA361651562.
Genomic context (GRCh38, chr5:147,361,524, plus strand): 5'-ATAATACTAATGTCTCAGGGAATCAAACTGGTTTAATTTTTCGTGTTTTTCAGCACCTGA[G>C]ATGTTCAGCTCCAGAAAAGGAGCAGGCTATTCCTTTGCTGTTGACTGGTGGTCCCTGGGA-3'
Protein context (NP_001106195.1, residues 180-200): MAGTKPYMAP[Glu190Asp]MFSSRKGAGY

ClinVar aggregate classification (germline): Uncertain significance (1 of 4 stars; one submission).

Submission:

CeGaT Center for Human Genetics Tuebingen
Classification: Uncertain significance. Last evaluated: 2022-09-01. Review status: criteria provided, single submitter. Criteria: CeGaT Center For Human Genetics Tuebingen Variant Classification Criteria Version 2. Collection method: clinical testing. Allele origin: germline. Affected: yes. Observed: 1 variant allele.
Comment: STK32A: PM2, PS2:Supporting